The following is an entry in ClinVar:

ClinVar aggregate classification (germline): Uncertain significance (1 of 4 stars; one submission).

Conditions:
Emery-Dreifuss muscular dystrophy 4, autosomal dominant (EDMD4). Also called: EMERY-DREIFUSS MUSCULAR DYSTROPHY 4 WITH VARIABLE FEATURES. Identifiers: Orphanet 261, MedGen C2751807, MONDO:0013071, OMIM 612998.
Autosomal recessive ataxia, Beauce type. Also called: SYNE1-Related Autosomal Recessive Cerebellar Ataxia; SYNE1 Deficiency; Spinocerebellar ataxia, autosomal recessive 8; ATAXIA, RECESSIVE, OF BEAUCE. Identifiers: Orphanet 88644, MedGen C1853116, MONDO:0012549, OMIM 610743.

Allele frequency attached by ClinVar (database versions not stated): gnomAD exomes below 0.00001.
gnomAD v4.1: 4 of 1,613,246 alleles (0.00025%); highest among the groups gnomAD compares: Non-Finnish European, 0.00034%; no homozygotes.

Submission:

Labcorp Genetics (formerly Invitae), Labcorp
Classification: Uncertain significance for Emery-Dreifuss muscular dystrophy 4, autosomal dominant; Autosomal recessive ataxia, Beauce type. Last evaluated: 2022-07-18. Review status: criteria provided, single submitter. Criteria: Invitae Variant Classification Sherloc (09022015). Collection method: clinical testing. Allele origin: germline.
Comment: This variant has not been reported in the literature in individuals affected with SYNE1-related conditions. In summary, the available evidence is currently insufficient to determine the role of this variant in disease. Therefore, it has been classified as a Variant of Uncertain Significance. Algorithms developed to predict the effect of missense changes on protein structure and function are either unavailable or do not agree on the potential impact of this missense change (SIFT: "Deleterious"; PolyPhen-2: "Possibly Damaging"; Align-GVGD: "Class C15"). This variant is not present in population databases (gnomAD no frequency). This sequence change replaces aspartic acid, which is acidic and polar, with asparagine, which is neutral and polar, at codon 7457 of the SYNE1 protein (p.Asp7457Asn).

NM_182961.4(SYNE1):c.22582G>A (p.Asp7528Asn)

Gene: SYNE1 (spectrin repeat containing nuclear envelope protein 1; minus strand). Cytogenetic location: 6q25.2.
Variant type: single nucleotide variant.
Coding change: c.22582G>A on transcript NM_182961.4 (MANE Select); coding-DNA position 22582, G replaced by A.
Protein change: p.Asp7528Asn; replaces aspartic acid 7528 with asparagine.
Molecular consequence: missense variant.
Genome position (GRCh38, 1-based): chr6:152,211,501, C>T on the plus strand (G>A on the coding strand, the complement: SYNE1 is on the minus strand). VCF-style: chr6-152211501-C-T. GRCh37 (hg19) VCF-style: chr6-152532636-C-T.
Other names: c.22369G>A, p.Asp7457Asn (NM_033071.5); short protein forms D7457N, D7528N.
Identifiers: ClinVar variation 1905408 (VCV001905408.5), dbSNP rs2153424427, ClinGen allele CA366098045.